The following is an entry in ClinVar:

NM_014915.3(ANKRD26):c.3823G>T (p.Asp1275Tyr)

Gene: ANKRD26 (ankyrin repeat domain 26; minus strand). Cytogenetic location: 10p12.1.
Variant type: single nucleotide variant.
Coding change: c.3823G>T on transcript NM_014915.3 (MANE Select); coding-DNA position 3823, G replaced by T.
Protein change: p.Asp1275Tyr; replaces aspartic acid 1275 with tyrosine.
Molecular consequence: missense variant.
Genome position (GRCh38, 1-based): chr10:27,029,341, C>A on the plus strand (G>T on the coding strand, the complement: ANKRD26 is on the minus strand). VCF-style: chr10-27029341-C-A. GRCh37 (hg19) VCF-style: chr10-27318270-C-A.
Other names: c.3820G>T, p.Asp1274Tyr (NM_001256053.2); short protein forms D1274Y, D1275Y.
Identifiers: ClinVar variation 2888551 (VCV002888551.4), dbSNP rs749332341, ClinGen allele CA5447927.

ClinVar aggregate classification (germline): Uncertain significance. Review status: criteria provided, multiple submitters, no conflicts (2 of 4 stars). 2 submissions from 2 submitters: Uncertain significance (2). Last evaluated 2025-02-18.

Conditions:
Inborn genetic diseases. Identifiers: MedGen C0950123, MeSH D030342.

Allele frequency attached by ClinVar (database versions not stated): ExAC 0.00001; gnomAD 0.00001; TOPMed 0.00001.
gnomAD v4.1: 8 of 1,612,398 alleles (0.0005%); highest among the groups gnomAD compares: Non-Finnish European, 0.00059%; no homozygotes.

Submissions (2):

Ambry Genetics
Classification: Uncertain significance for Inborn genetic diseases. Last evaluated: 2025-02-18. Review status: criteria provided, single submitter. Criteria: Ambry Variant Classification Scheme 2023. Collection method: clinical testing. Allele origin: germline.
Comment: The p.D1275Y variant (also known as c.3823G>T), located in coding exon 26 of the ANKRD26 gene, results from a G to T substitution at nucleotide position 3823. The aspartic acid at codon 1275 is replaced by tyrosine, an amino acid with highly dissimilar properties. This amino acid position is conserved. In addition, this alteration is predicted to be tolerated by in silico analysis. Based on the available evidence, the clinical significance of this variant remains unclear.

Labcorp Genetics (formerly Invitae), Labcorp
Classification: Uncertain significance. Last evaluated: 2023-08-17. Review status: criteria provided, single submitter. Criteria: Invitae Variant Classification Sherloc (09022015). Collection method: clinical testing. Allele origin: germline.
Comment: In summary, the available evidence is currently insufficient to determine the role of this variant in disease. Therefore, it has been classified as a Variant of Uncertain Significance. An algorithm developed to predict the effect of missense changes on protein structure and function (PolyPhen-2) suggests that this variant is likely to be disruptive. This variant has not been reported in the literature in individuals affected with ANKRD26-related conditions. The frequency data for this variant in the population databases is considered unreliable, as metrics indicate poor data quality at this position in the gnomAD database. This sequence change replaces aspartic acid, which is acidic and polar, with tyrosine, which is neutral and polar, at codon 1275 of the ANKRD26 protein (p.Asp1275Tyr).